The following is an entry in ClinVar:

NM_033028.5(BBS4):c.24+8C>T

Gene: BBS4 (Bardet-Biedl syndrome 4; plus strand). Cytogenetic location: 15q24.1.
Variant type: single nucleotide variant.
Coding change: c.24+8C>T on transcript NM_033028.5 (MANE Select); 8 bases into the intron after coding-DNA position 24, C replaced by T.
Molecular consequence: intron variant. On other transcripts: non-coding transcript variant (1).
Genome position (GRCh38, 1-based): chr15:72,686,259, C>T. VCF-style: chr15-72686259-C-T. GRCh37 (hg19) VCF-style: chr15-72978600-C-T.
Other names: c.24+8C>T (NM_001320665.2); c.-446+8C>T (NM_001252678.2).
Identifiers: ClinVar variation 193471 (VCV000193471.24), dbSNP rs200055760, ClinGen allele CA238993.

ClinVar aggregate classification (germline): Conflicting classifications of pathogenicity. Review status: criteria provided, conflicting classifications (1 of 4 stars). 8 submissions from 8 submitters: Uncertain significance (1); Benign (4); Likely benign (3). Last evaluated 2026-09-01.

Conditions:
Bardet-Biedl syndrome (BBS). Identifiers: Orphanet 110, MedGen C0752166, MONDO:0015229.
Bardet-Biedl syndrome 4 (BBS4). Identifiers: Orphanet 110, MedGen C2936864, MONDO:0014433, OMIM 615982.

Allele frequency attached by ClinVar (database versions not stated): gnomAD exomes 0.00035 and 0.00132; gnomAD 0.00040 and 0.00059; TOPMed 0.00067; ExAC 0.00125; 1000 Genomes Project 30x 0.00422; 1000 Genomes Project 0.00439.
gnomAD v4.1: 626 of 1,564,736 alleles (0.04%); highest among the groups gnomAD compares: East Asian, 1.3%; 7 homozygotes.

Submissions (8):

CeGaT Center for Human Genetics Tuebingen
Classification: Likely benign. Last evaluated: 2026-09-01. Review status: criteria provided, single submitter. Criteria: CeGaT Center For Human Genetics Tuebingen Variant Classification Criteria Version 2. Collection method: clinical testing. Allele origin: germline. Affected: yes. Observed: 1 variant allele.
Comment: BBS4: BP4, BS1

Labcorp Genetics (formerly Invitae), Labcorp
Classification: Benign for Bardet-Biedl syndrome. Last evaluated: 2026-02-01. Review status: criteria provided, single submitter. Criteria: Invitae Variant Classification Sherloc (09022015). Collection method: clinical testing. Allele origin: germline.

Blueprint Genetics
Classification: Likely benign. Last evaluated: 2024-11-20. Review status: criteria provided, single submitter. Criteria: ACMG Guidelines, 2015. Collection method: clinical testing. Allele origin: germline.

Women's Health and Genetics/Laboratory Corporation of America, LabCorp
Classification: Benign. Last evaluated: 2022-02-18. Review status: criteria provided, single submitter. Criteria: LabCorp Variant Classification Summary - May 2015. Collection method: clinical testing. Allele origin: germline.

New York Genome Center
Classification: Uncertain significance for Bardet-Biedl syndrome 4. Last evaluated: 2021-11-03. Review status: criteria provided, single submitter. Criteria: NYGC Assertion Criteria 2020. Collection method: clinical testing. Allele origin: germline. Observed: 1 heterozygote.

Fulgent Genetics
Classification: Likely benign for Bardet-Biedl syndrome 4. Last evaluated: 2021-07-22. Review status: criteria provided, single submitter. Criteria: ACMG Guidelines, 2015. Collection method: clinical testing. Allele origin: unknown.

Illumina Laboratory Services, Illumina
Classification: Benign for Bardet-Biedl syndrome 4. Last evaluated: 2018-01-12. Review status: criteria provided, single submitter. Criteria: ICSL Variant Classification Criteria 13 December 2019. Collection method: clinical testing. Allele origin: germline.
Comment: This variant was observed in the ICSL laboratory as part of a predisposition screen in an ostensibly healthy population. It had not been previously curated by ICSL or reported in the Human Gene Mutation Database (HGMD: prior to June 1st, 2018), and was therefore a candidate for classification through an automated scoring system. Utilizing variant allele frequency, disease prevalence and penetrance estimates, and inheritance mode, an automated score was calculated to assess if this variant is too frequent to cause the disease. Based on the score and internal cut-off values, a variant classified as benign is not then subjected to further curation. The score for this variant resulted in a classification of benign for this disease.

Eurofins Ntd Llc (ga)
Classification: Benign. Last evaluated: 2017-02-07. Review status: criteria provided, single submitter. Criteria: EGL Classification Definitions 2015. Collection method: clinical testing. Allele origin: germline. Observed: 1 variant allele, 1 heterozygote.